The following is an entry in ClinVar:

NM_198253.3(TERT):c.2576G>T (p.Arg859Leu)

Gene: TERT (telomerase reverse transcriptase; minus strand). Cytogenetic location: 5p15.33.
Variant type: single nucleotide variant.
Coding change: c.2576G>T on transcript NM_198253.3 (MANE Select); coding-DNA position 2576, G replaced by T.
Protein change: p.Arg859Leu; replaces arginine 859 with leucine.
Molecular consequence: missense variant. On other transcripts: non-coding transcript variant (2).
Genome position (GRCh38, 1-based): chr5:1,268,526, C>A on the plus strand (G>T on the coding strand, the complement: TERT is on the minus strand). VCF-style: chr5-1268526-C-A. GRCh37 (hg19) VCF-style: chr5-1268641-C-A.
Other names: c.2576G>T, p.Arg859Leu (NM_001193376.3); short protein forms R859L.
Identifiers: ClinVar variation 5030661 (VCV005030661.1).

ClinVar aggregate classification (germline): Uncertain significance (1 of 4 stars; one submission).

Conditions:
Dyskeratosis congenita. Identifiers: Orphanet 1775, MedGen C0265965, MONDO:0015780.

Submission:

Ambry Genetics
Classification: Uncertain significance for Dyskeratosis congenita. Last evaluated: 2026-08-19. Review status: criteria provided, single submitter. Criteria: Ambry Variant Classification Scheme 2023. Collection method: clinical testing. Allele origin: germline.
Comment: The p.R859L variant (also known as c.2576G>T), located in coding exon 9 of the TERT gene, results from a G to T substitution at nucleotide position 2576. The arginine at codon 859 is replaced by leucine, an amino acid with dissimilar properties. This amino acid position is conserved. In addition, the in silico prediction for this alteration is inconclusive. Based on the available evidence, the clinical significance of this variant remains unclear.